The following is an entry in ClinVar:

NM_182916.3(TRNT1):c.1252_1253insT (p.Ser418fs)

Gene: TRNT1 (tRNA nucleotidyl transferase 1; plus strand). Cytogenetic location: 3p26.2.
Variant type: Insertion.
Coding change: c.1252_1253insT on transcript NM_182916.3 (MANE Select); coding-DNA positions 1252 to 1253, T inserted.
Protein change: p.Ser418fs; shifts the reading frame from serine 418.
Molecular consequence: frameshift variant. On other transcripts: non-coding transcript variant (8).
Genome position: GRCh38 VCF-style: chr3-3148101-A-AT. GRCh37 (hg19) VCF-style: chr3-3189785-A-AT.
Other names: c.1192_1193insT, p.Ser398fs (NM_001302946.2); c.1252_1253insT, p.Ser418fs (NM_001367321.1, NM_001367322.1, NM_001367323.1); short protein forms S398fs, S418fs.
Identifiers: ClinVar variation 1452239 (VCV001452239.8), dbSNP rs1706186945, ClinGen allele CA1341470448.
Genomic context (GRCh38, chr3:3,148,101, plus strand): 5'-ATTTCTTCAGGAAAAGAAATTGGGGCTCTATTACAACAGTTGCGAGAACAGTGGAAAAAA[A>AT]GTGGTTACCAAATGGAAAAAGATGAACTTCTGAGTTACATAAAGAAGACCTAAAACTGAT-3'

ClinVar aggregate classification (germline): Pathogenic (1 of 4 stars; one submission).

Conditions:
Congenital sideroblastic anemia-B-cell immunodeficiency-periodic fever-developmental delay syndrome. Also called: Sideroblastic anemia with B-cell immunodeficiency, periodic fevers, and developmental delay. Identifiers: Orphanet 369861, MedGen C4015172, MONDO:0014487, OMIM 616084.

Allele frequency attached by ClinVar (database versions not stated): TOPMed below 0.00001.

Submission:

Labcorp Genetics (formerly Invitae), Labcorp
Classification: Pathogenic for Congenital sideroblastic anemia-B-cell immunodeficiency-periodic fever-developmental delay syndrome. Last evaluated: 2022-07-19. Review status: criteria provided, single submitter. Criteria: Invitae Variant Classification Sherloc (09022015). Collection method: clinical testing. Allele origin: germline.
Comment: This sequence change creates a premature translational stop signal (p.Ser418Metfs*9) in the TRNT1 gene. While this is not anticipated to result in nonsense mediated decay, it is expected to disrupt the last 17 amino acid(s) of the TRNT1 protein. For these reasons, this variant has been classified as Pathogenic. This variant disrupts a region of the TRNT1 protein in which other variant(s) (p.Ser418Lysfs*9:) have been determined to be pathogenic (PMID: 25193871, 26494905, 29358286). This suggests that this is a clinically significant region of the protein, and that variants that disrupt it are likely to be disease-causing. ClinVar contains an entry for this variant (Variation ID: 1452239). This variant has not been reported in the literature in individuals affected with TRNT1-related conditions. This variant is not present in population databases (gnomAD no frequency).

Literature cited by the submitters: PubMed 25193871; PubMed 26494905; PubMed 29358286.